The following is an entry in ClinVar:

ClinVar aggregate classification (germline): Uncertain significance (1 of 4 stars; one submission).

Conditions:
Hereditary cancer-predisposing syndrome. Also called: Neoplastic Syndromes, Hereditary; Hereditary neoplastic syndrome; Tumor predisposition; Hereditary Cancer Syndrome. Identifiers: Orphanet 140162, MedGen C0027672, MeSH D009386, MONDO:0015356.

Submission:

Labcorp Genetics (formerly Invitae), Labcorp
Classification: Uncertain significance for Hereditary cancer-predisposing syndrome. Last evaluated: 2023-04-15. Review status: criteria provided, single submitter. Criteria: Invitae Variant Classification Sherloc (09022015). Collection method: clinical testing. Allele origin: germline.
Comment: This variant is not present in population databases (gnomAD no frequency). This sequence change replaces lysine, which is basic and polar, with glutamine, which is neutral and polar, at codon 1119 of the RAD50 protein (p.Lys1119Gln). This variant has not been reported in the literature in individuals affected with RAD50-related conditions. Advanced modeling of protein sequence and biophysical properties (such as structural, functional, and spatial information, amino acid conservation, physicochemical variation, residue mobility, and thermodynamic stability) has been performed at Invitae for this missense variant, however the output from this modeling did not meet the statistical confidence thresholds required to predict the impact of this variant on RAD50 protein function. In summary, the available evidence is currently insufficient to determine the role of this variant in disease. Therefore, it has been classified as a Variant of Uncertain Significance.

NM_005732.4(RAD50):c.3355A>C (p.Lys1119Gln)

Gene: RAD50 (RAD50 double strand break repair protein; plus strand). Cytogenetic location: 5q31.1.
Variant type: single nucleotide variant.
Coding change: c.3355A>C on transcript NM_005732.4 (MANE Select); coding-DNA position 3355, A replaced by C.
Protein change: p.Lys1119Gln; replaces lysine 1119 with glutamine.
Molecular consequence: missense variant.
Genome position (GRCh38, 1-based): chr5:132,618,260, A>C. VCF-style: chr5-132618260-A-C. GRCh37 (hg19) VCF-style: chr5-131953952-A-C.
Other names: short protein forms K1119Q.
Identifiers: ClinVar variation 2856486 (VCV002856486.3), dbSNP rs1561650943, ClinGen allele CA360964971.
Genomic context (GRCh38, chr5:132,618,260, plus strand): 5'-GATGCTGAGGAAAAGTATAGAGAAATGATGATTGTTATGAGGACAACAGAACTTGTGAAC[A>C]AGGATCTGGATATTTATTATAAGACTCTTGACCAGTAAGTATTAGACTGGGGATTTTCTT-3'
Protein context (NP_005723.2, residues 1109-1129): IVMRTTELVN[Lys1119Gln]DLDIYYKTLD